The following is an entry in ClinVar:

NM_006929.5(SKIC2):c.2858+16G>C

Gene: SKIC2 (SKI2 subunit of superkiller complex; plus strand). Cytogenetic location: 6p21.33.
Variant type: single nucleotide variant.
Coding change: c.2858+16G>C on transcript NM_006929.5 (MANE Select); 16 bases into the intron after coding-DNA position 2858, G replaced by C.
Molecular consequence: intron variant.
Genome position (GRCh38, 1-based): chr6:31,968,098, G>C. VCF-style: chr6-31968098-G-C. GRCh37 (hg19) VCF-style: chr6-31935875-G-C.
Identifiers: ClinVar variation 4715813 (VCV004715813.1).
Genomic context (GRCh38, chr6:31,968,098, plus strand): 5'-GAAGATCTTGGAGGACTTCAGCAAGAGGCAGCAGCCAAAATTCAAGTCAGAGATGCTAGG[G>C]AGGCCCTTCTCCTCCAGAGGGGCACGTAGAGGCAGGGAGGGGCAGTGGTCTGGGAGTTTC-3'

ClinVar aggregate classification (germline): Uncertain significance (1 of 4 stars; one submission).

Submission:

Labcorp Genetics (formerly Invitae), Labcorp
Classification: Uncertain significance. Last evaluated: 2025-03-24. Review status: criteria provided, single submitter. Criteria: Invitae Variant Classification Sherloc (09022015). Collection method: clinical testing. Allele origin: germline.
Comment: This sequence change falls in intron 23 of the SKIV2L gene. It does not directly change the encoded amino acid sequence of the SKIV2L protein. This variant is not present in population databases (gnomAD no frequency). This variant has not been reported in the literature in individuals affected with SKIV2L-related conditions. Algorithms developed to predict the effect of sequence changes on RNA splicing suggest that this variant may create or strengthen a splice site. In summary, the available evidence is currently insufficient to determine the role of this variant in disease. Therefore, it has been classified as a Variant of Uncertain Significance.